The following is an entry in ClinVar:

ClinVar aggregate classification (germline): Uncertain significance. Review status: criteria provided, multiple submitters, no conflicts (2 of 4 stars). 2 submissions from 2 submitters: Uncertain significance (2). Last evaluated 2025-05-24.

Conditions:
Angelman syndrome (AS). Also called: HAPPY PUPPET SYNDROME. Identifiers: Orphanet 72, MedGen C0162635, MONDO:0007113, OMIM 105830. Disease mechanism: loss of function. Inheritance: AS is caused by disruption of maternally imprinted UBE3A located within the 15q11.2-q13 Angelman syndrome/Prader-Willi syndrome (AS/PWS) region., imprinting disorder.

gnomAD v4.1: 2 of 1,614,000 alleles (0.00012%); highest among the groups gnomAD compares: Non-Finnish European, 0.00017%; no homozygotes.

Submissions (2):

Labcorp Genetics (formerly Invitae), Labcorp
Classification: Uncertain significance for Angelman syndrome. Last evaluated: 2025-05-24. Review status: criteria provided, single submitter. Criteria: Invitae Variant Classification Sherloc (09022015). Collection method: clinical testing. Allele origin: germline.
Comment: This sequence change replaces aspartic acid, which is acidic and polar, with glutamic acid, which is acidic and polar, at codon 373 of the UBE3A protein (p.Asp373Glu). This variant is not present in population databases (gnomAD no frequency). This variant has not been reported in the literature in individuals affected with UBE3A-related conditions. ClinVar contains an entry for this variant (Variation ID: 423562). An algorithm developed to predict the effect of missense changes on protein structure and function outputs the following: PolyPhen-2: "Benign". The glutamic acid amino acid residue is found in multiple mammalian species, which suggests that this missense change does not adversely affect protein function. In summary, the available evidence is currently insufficient to determine the role of this variant in disease. Therefore, it has been classified as a Variant of Uncertain Significance.

GeneDx
Classification: Uncertain significance. Last evaluated: 2024-05-09. Review status: criteria provided, single submitter. Criteria: GeneDx Variant Classification Process June 2021. Collection method: clinical testing. Allele origin: germline. Affected: yes.
Comment: Not observed at significant frequency in large population cohorts (gnomAD); In silico analysis indicates that this missense variant does not alter protein structure/function; Has not been previously published as pathogenic or benign to our knowledge

NM_130839.5(UBE3A):c.1179T>A (p.Asp393Glu)

Genes: SNHG14 (small nucleolar RNA host gene 14; plus strand), UBE3A (ubiquitin protein ligase E3A; minus strand). Cytogenetic location: 15q11.2.
Variant type: single nucleotide variant.
Coding change: c.1179T>A on transcript NM_130839.5 (MANE Select); coding-DNA position 1179, T replaced by A.
Protein change: p.Asp393Glu; replaces aspartic acid 393 with glutamic acid.
Molecular consequence: missense variant. On other transcripts: non-coding transcript variant (1), intron variant (2).
Genome position (GRCh38, 1-based): chr15:25,370,995, A>T on the plus strand (T>A on the coding strand, the complement: UBE3A is on the minus strand). VCF-style: chr15-25370995-A-T. GRCh37 (hg19) VCF-style: chr15-25616142-A-T.
Other names: c.1188T>A, p.Asp396Glu (NM_000462.5); c.1179T>A, p.Asp393Glu (NM_001354505.1, NM_001354538.2, NM_001354545.2); c.1119T>A, p.Asp373Glu (NM_001354506.2, NM_001354507.2, NM_001354508.2 and 17 more transcripts); c.1002T>A, p.Asp334Glu (NM_001354546.2); c.301+4470T>A (NM_001354551.2); c.361+4470T>A (NM_001354550.2); short protein forms D373E, D334E, D393E, D396E.
Identifiers: ClinVar variation 423562 (VCV000423562.8), dbSNP rs143000400, ClinGen allele CA16619909.